The following is an entry in ClinVar:

NM_000548.5(TSC2):c.3565C>T (p.Leu1189=)

Gene: TSC2 (TSC complex subunit 2; plus strand). Cytogenetic location: 16p13.3.
Variant type: single nucleotide variant.
Coding change: c.3565C>T on transcript NM_000548.5 (MANE Select); coding-DNA position 3565, C replaced by T.
Protein change: p.Leu1189=; no amino-acid change (leucine 1189 retained).
Molecular consequence: synonymous variant.
Genome position (GRCh38, 1-based): chr16:2,080,332, C>T. VCF-style: chr16-2080332-C-T. GRCh37 (hg19) VCF-style: chr16-2130333-C-T.
Other names: c.3433C>T, p.Leu1145= (NM_001077183.3, NM_001370404.1); c.3565C>T, p.Leu1189= (NM_001114382.3); c.3325C>T, p.Leu1109= (NM_001318827.2); c.3289C>T, p.Leu1097= (NM_001318829.2); c.2833C>T, p.Leu945= (NM_001318831.2); c.3466C>T, p.Leu1156= (NM_001318832.2); c.3436C>T, p.Leu1146= (NM_001363528.2, NM_001370405.1, NM_021055.3); c.3565C>T (NM_000548.3).
Identifiers: ClinVar variation 1096254 (VCV001096254.13), dbSNP rs796053476, ClinGen allele CA493043095.
Genomic context (GRCh38, chr16:2,080,332, plus strand): 5'-GCCTCAGCTGGCACCCGGGTTCCTGTGCAGGAGAAGACGAACCTGGCGGCCTATGTGCCC[C>T]TGCTGACCCAGGGCTGGGCGGAGATCCTGGTCCGGAGGCCCACAGGTACTGGGCGGGGCT-3'
Protein context (NP_000539.2, residues 1179-1199): EKTNLAAYVP[Leu1189=]LTQGWAEILV

ClinVar aggregate classification (germline): Benign/Likely benign. Review status: criteria provided, multiple submitters, no conflicts (2 of 4 stars). 5 submissions from 5 submitters: Benign (1); Likely benign (4). Last evaluated 2025-11-24.

Conditions:
Hereditary cancer-predisposing syndrome. Also called: Tumor predisposition; Neoplastic Syndromes, Hereditary; Hereditary Cancer Syndrome; Hereditary neoplastic syndrome. Identifiers: Orphanet 140162, MedGen C0027672, MeSH D009386, MONDO:0015356.
Lymphangiomyomatosis (LAM). Also called: Lymphangioleiomyomatosis, somatic; Lymphangioleiomyomatosis. Identifiers: Orphanet 538, MedGen C0751674, MONDO:0011705, OMIM 606690.
Tuberous sclerosis 2 (TSC2). Identifiers: Orphanet 805, MedGen C1860707, MONDO:0013199, OMIM 613254.
Isolated focal cortical dysplasia type II (FCORD2). Also called: CORTICAL DYSPLASIA OF TAYLOR; Focal cortical dysplasia type II. Identifiers: Orphanet 268994, MedGen C1846385, MONDO:0011818, OMIM 607341, HP:0032051.
Tuberous sclerosis syndrome (TSC). Also called: Tuberous Sclerosis Complex; Tuberous sclerosis. Identifiers: Orphanet 805, MedGen C0041341, MONDO:0001734.

Allele frequency attached by ClinVar (database versions not stated): gnomAD exomes below 0.00001.
gnomAD v4.1: 12 of 1,612,694 alleles (0.00074%); highest among the groups gnomAD compares: Non-Finnish European, 0.00093%; no homozygotes.

Submissions (5):

Labcorp Genetics (formerly Invitae), Labcorp
Classification: Likely benign for Tuberous sclerosis 2. Last evaluated: 2025-11-24. Review status: criteria provided, single submitter. Criteria: Invitae Variant Classification Sherloc (09022015). Collection method: clinical testing. Allele origin: germline.

Myriad Genetics, Inc.
Classification: Benign for Tuberous sclerosis 2. Last evaluated: 2025-05-29. Review status: criteria provided, single submitter. Criteria: Myriad Autosomal Dominant, Autosomal Recessive and X-Linked Classification Criteria (2023). Collection method: clinical testing. Allele origin: unknown.
Comment: This variant is considered benign. This variant is a silent/synonymous amino acid change and it is not expected to impact splicing.

Fulgent Genetics
Classification: Likely benign for Lymphangiomyomatosis; Isolated focal cortical dysplasia type II; Tuberous sclerosis 2. Last evaluated: 2024-02-15. Review status: criteria provided, single submitter. Criteria: ACMG Guidelines, 2015. Collection method: clinical testing. Allele origin: germline.

All of Us Research Program, National Institutes of Health
Classification: Likely benign for Tuberous sclerosis syndrome. Last evaluated: 2023-10-23. Review status: criteria provided, single submitter. Criteria: ACMG Guidelines, 2015. Collection method: clinical testing. Allele origin: germline. Inheritance: Autosomal dominant inheritance. Observed: 1 variant allele, 1 heterozygote.
Comment: This study involves interpretation of variants in research participants for the purpose of population health screening. Participant phenotype was not available at the time of variant classification. Additional details can be found in publication PMID: 35346344, PMCID: PMC8962531

Ambry Genetics
Classification: Likely benign for Hereditary cancer-predisposing syndrome. Last evaluated: 2023-09-14. Review status: criteria provided, single submitter. Criteria: Ambry Variant Classification Scheme 2023. Collection method: clinical testing. Allele origin: germline.